The following is an entry in ClinVar:

NM_015164.4(PLEKHM2):c.55AAG[1] (p.Lys20del)

Gene: PLEKHM2 (pleckstrin homology and RUN domain containing M2; plus strand). Cytogenetic location: 1p36.21.
Variant type: Microsatellite.
Coding change: c.55AAG[1] on transcript NM_015164.4 (MANE Select); one copy of the 3-base unit AAG starting at c.55; the reference has two copies in a row; one copy, 3 bases deleted.
Protein change: p.Lys20del; deletes lysine 20.
Molecular consequence: inframe deletion.
Genome position (GRCh38, 1-based): chr1:15,684,616-15,684,618, AAG deleted; deleting any 3 consecutive bases within chr1:15,684,612-15,684,618 gives the same sequence; the position shown is the placement nearest the transcript's 3' end. VCF-style (leftmost placement, unchanged base first): chr1-15684611-TGAA-T. GRCh37 (hg19) VCF-style: chr1-16011106-TGAA-T.
Other names: short protein forms K20del.
Identifiers: ClinVar variation 1000277 (VCV001000277.8), dbSNP rs745635006, ClinGen allele CA616564.
Genomic context (GRCh38, chr1:15,684,611, plus strand): 5'-GCAGCGCCATGGAGCCGGGGGAGGTGAAGGACCGGATCCTGGAGAACATCTCGCTGTCGG[TGAA>T]GAAGGTGAGCGCGGCCTCCCTCCCGGCCGGGGCCCCTTCCTCGCCGCGCCCCCCACGCCC-3'

ClinVar aggregate classification (germline): Uncertain significance (1 of 4 stars; one submission).

Submission:

Labcorp Genetics (formerly Invitae), Labcorp
Classification: Uncertain significance. Last evaluated: 2025-05-13. Review status: criteria provided, single submitter. Criteria: Invitae Variant Classification Sherloc (09022015). Collection method: clinical testing. Allele origin: germline.
Comment: This variant, c.58_60del, results in the deletion of 1 amino acid(s) of the PLEKHM2 protein (p.Lys20del), but otherwise preserves the integrity of the reading frame. This variant is present in population databases (rs745635006, gnomAD 0.008%). This variant has not been reported in the literature in individuals affected with PLEKHM2-related conditions. Experimental studies and prediction algorithms are not available or were not evaluated, and the functional significance of this variant is currently unknown. In summary, the available evidence is currently insufficient to determine the role of this variant in disease. Therefore, it has been classified as a Variant of Uncertain Significance.